The following is an entry in ClinVar:

ClinVar aggregate classification (germline): Uncertain significance. Review status: criteria provided, multiple submitters, no conflicts (2 of 4 stars). 2 submissions from 2 submitters: Uncertain significance (2). Last evaluated 2026-02-25.

Conditions:
SETBP1-related disorder. Also called: SETBP1-related condition; SETBP1-related disorders.

gnomAD v4.1: 2 of 1,613,858 alleles (0.00012%); highest among the groups gnomAD compares: Non-Finnish European, 0.00017%; no homozygotes.

Submissions (2):

PreventionGenetics, part of Exact Sciences
Classification: Uncertain significance for SETBP1-related condition. Last evaluated: 2026-02-25. Review status: criteria provided, single submitter. Criteria: ACMG Guidelines, 2015. Collection method: clinical testing. Allele origin: germline.
Comment: The SETBP1 c.417G>C variant is predicted to result in the amino acid substitution p.Gln139His. To our knowledge, this variant has not been reported in the literature or in a large population database (gnomAD), indicating this variant is rare. At this time, the clinical significance of this variant is uncertain due to the absence of conclusive functional and genetic evidence.

Labcorp Genetics (formerly Invitae), Labcorp
Classification: Uncertain significance. Last evaluated: 2025-03-12. Review status: criteria provided, single submitter. Criteria: Invitae Variant Classification Sherloc (09022015). Collection method: clinical testing. Allele origin: germline.
Comment: This sequence change replaces glutamine, which is neutral and polar, with histidine, which is basic and polar, at codon 139 of the SETBP1 protein (p.Gln139His). This variant is not present in population databases (gnomAD no frequency). This variant has not been reported in the literature in individuals affected with SETBP1-related conditions. An algorithm developed to predict the effect of missense changes on protein structure and function (PolyPhen-2) suggests that this variant is likely to be disruptive. In summary, the available evidence is currently insufficient to determine the role of this variant in disease. Therefore, it has been classified as a Variant of Uncertain Significance.

NM_015559.3(SETBP1):c.417G>C (p.Gln139His)

Gene: SETBP1 (SET binding protein 1; plus strand). Cytogenetic location: 18q12.3.
Variant type: single nucleotide variant.
Coding change: c.417G>C on transcript NM_015559.3 (MANE Select); coding-DNA position 417, G replaced by C.
Protein change: p.Gln139His; replaces glutamine 139 with histidine.
Molecular consequence: missense variant.
Genome position (GRCh38, 1-based): chr18:44,701,763, G>C. VCF-style: chr18-44701763-G-C. GRCh37 (hg19) VCF-style: chr18-42281728-G-C.
Other names: c.417G>C (NM_015559.2); c.417G>C, p.Gln139His (NM_001130110.2, NM_001379141.1, NM_001379142.1 and 1 more transcripts); short protein forms Q139H.
Identifiers: ClinVar variation 4707103 (VCV004707103.2).